The following is an entry in ClinVar:

ClinVar aggregate classification (germline): Uncertain significance (1 of 4 stars; one submission).

Conditions:
Ullrich congenital muscular dystrophy 2 (UCMD2). Identifiers: Orphanet 75840, MedGen C4225314, MONDO:0014654, OMIM 616470.
Bethlem myopathy 2 (BTHLM2). Identifiers: Orphanet 536516, Orphanet 610, MedGen C4225313, MONDO:0034022, OMIM 616471.

Allele frequency attached by ClinVar (database versions not stated): gnomAD exomes below 0.00001; TOPMed below 0.00001.
gnomAD v4.1: 3 of 1,608,500 alleles (0.00019%); highest among the groups gnomAD compares: Admixed American, 0.0017%; no homozygotes.

Submission:

Labcorp Genetics (formerly Invitae), Labcorp
Classification: Uncertain significance for Bethlem myopathy 2; Ullrich congenital muscular dystrophy 2. Last evaluated: 2025-07-21. Review status: criteria provided, single submitter. Criteria: Invitae Variant Classification Sherloc (09022015). Collection method: clinical testing. Allele origin: germline.
Comment: This sequence change replaces glycine, which is neutral and non-polar, with arginine, which is basic and polar, at codon 2115 of the COL12A1 protein (p.Gly2115Arg). This variant is not present in population databases (gnomAD no frequency). This variant has not been reported in the literature in individuals affected with COL12A1-related conditions. ClinVar contains an entry for this variant (Variation ID: 1039242). An algorithm developed to predict the effect of missense changes on protein structure and function (PolyPhen-2) suggests that this variant is likely to be disruptive. In summary, the available evidence is currently insufficient to determine the role of this variant in disease. Therefore, it has been classified as a Variant of Uncertain Significance.

NM_004370.6(COL12A1):c.6343G>A (p.Gly2115Arg)

Gene: COL12A1 (collagen type XII alpha 1 chain; minus strand). Cytogenetic location: 6q13.
Variant type: single nucleotide variant.
Coding change: c.6343G>A on transcript NM_004370.6 (MANE Select); coding-DNA position 6343, G replaced by A.
Protein change: p.Gly2115Arg; replaces glycine 2115 with arginine.
Molecular consequence: missense variant.
Genome position (GRCh38, 1-based): chr6:75,126,468, C>T on the plus strand (G>A on the coding strand, the complement: COL12A1 is on the minus strand). VCF-style: chr6-75126468-C-T. GRCh37 (hg19) VCF-style: chr6-75836184-C-T.
Other names: c.2851G>A, p.Gly951Arg (NM_080645.3); short protein forms G951R, G2115R.
Identifiers: ClinVar variation 1039242 (VCV001039242.9), dbSNP rs1766019017, ClinGen allele CA364730225.
Genomic context (GRCh38, chr6:75,126,468, plus strand): 5'-ACACCCTGAATCTTGTATACCATTCGTCAGAGATGTGTATGTTCTGAGGAGGAAGGAGTC[C>T]CACTGAAAACAAACATTGACACACATTACTGACCTTTTATTGGCACACAGGGAGAGCACA-3'
Protein context (NP_004361.3, residues 2105-2125): GHLTGNGRTV[Gly2115Arg]LLPPQNIHIS